The following is an entry in ClinVar:

NM_001386135.1(AFF3):c.369G>A (p.Ser123=)

Gene: AFF3 (ALF transcription elongation factor 3; minus strand). Cytogenetic location: 2q11.2.
Variant type: single nucleotide variant.
Coding change: c.369G>A on transcript NM_001386135.1 (MANE Select); coding-DNA position 369, G replaced by A.
Protein change: p.Ser123=; no amino-acid change (serine 123 retained).
Molecular consequence: synonymous variant.
Genome position (GRCh38, 1-based): chr2:100,007,266, C>T on the plus strand (G>A on the coding strand, the complement: AFF3 is on the minus strand). VCF-style: chr2-100007266-C-T. GRCh37 (hg19) VCF-style: chr2-100623728-C-T.
Other names: c.369G>A (NM_002285.2); c.444G>A, p.Ser148= (NM_001025108.2); c.369G>A, p.Ser123= (NM_002285.3).
Identifiers: ClinVar variation 2651203 (VCV002651203.24), dbSNP rs138762479, ClinGen allele CA1801525.

ClinVar aggregate classification (germline): Likely benign. Review status: criteria provided, single submitter (1 of 4 stars). 2 submissions from 2 submitters: Likely benign (1). 1 of the submissions does not count toward it. Last evaluated 2026-04-01.

Conditions:
AFF3-related disorder. Also called: AFF3-related condition.

Allele frequency attached by ClinVar (database versions not stated): gnomAD exomes 0.00023; ExAC 0.00055; 1000 Genomes Project 0.00140; 1000 Genomes Project 30x 0.00156; gnomAD 0.00198; TOPMed 0.00205; ESP Exome Variant Server 0.00208.
gnomAD v4.1: 640 of 1,614,096 alleles (0.04%); highest among the groups gnomAD compares: African/African-American, 0.68%; 5 homozygotes.

Submissions (2):

CeGaT Center for Human Genetics Tuebingen
Classification: Likely benign. Last evaluated: 2026-04-01. Review status: criteria provided, single submitter. Criteria: CeGaT Center For Human Genetics Tuebingen Variant Classification Criteria Version 2. Collection method: clinical testing. Allele origin: germline. Affected: yes. Observed: 4 variant alleles.
Comment: AFF3: BP4, BP7

PreventionGenetics, part of Exact Sciences
Classification: Benign for AFF3-related condition. Last evaluated: 2024-04-08. Review status: no assertion criteria provided. Collection method: clinical testing. Allele origin: germline. Not counted in ClinVar's aggregate classification.
Comment: This variant is classified as benign based on ACMG/AMP sequence variant interpretation guidelines (Richards et al. 2015 PMID: 25741868, with internal and published modifications).